The following is an entry in ClinVar:

ClinVar aggregate classification (germline): Uncertain significance (1 of 4 stars; one submission).

Conditions:
Cardiovascular phenotype. Identifiers: MedGen CN230736.

Submission:

Ambry Genetics
Classification: Uncertain significance for Cardiovascular phenotype. Last evaluated: 2024-12-21. Review status: criteria provided, single submitter. Criteria: Ambry Variant Classification Scheme 2023. Collection method: clinical testing. Allele origin: germline.
Comment: The p.M201I variant (also known as c.603G>T), located in coding exon 4 of the PCSK9 gene, results from a G to T substitution at nucleotide position 603. The methionine at codon 201 is replaced by isoleucine, an amino acid with highly similar properties. This amino acid position is conserved. In addition, this alteration is predicted to be tolerated by in silico analysis. Based on the available evidence, the clinical significance of this variant remains unclear.

NM_174936.4(PCSK9):c.603G>T (p.Met201Ile)

Gene: PCSK9 (proprotein convertase subtilisin/kexin type 9; plus strand). Cytogenetic location: 1p32.3.
Variant type: single nucleotide variant.
Coding change: c.603G>T on transcript NM_174936.4 (MANE Select); coding-DNA position 603, G replaced by T.
Protein change: p.Met201Ile; replaces methionine 201 with isoleucine.
Molecular consequence: missense variant. On other transcripts: non-coding transcript variant (8).
Genome position (GRCh38, 1-based): chr1:55,052,357, G>T. VCF-style: chr1-55052357-G-T. GRCh37 (hg19) VCF-style: chr1-55518030-G-T.
Other names: c.726G>T, p.Met242Ile (NM_001407240.1); c.603G>T, p.Met201Ile (NM_001407241.1, NM_001407242.1, NM_001407244.1 and 1 more transcripts); c.546G>T, p.Met182Ile (NM_001407243.1); c.411G>T, p.Met137Ile (NM_001407245.1); c.228G>T, p.Met76Ile (NM_001407246.1); short protein forms M76I, M182I, M201I, M137I, M242I.
Identifiers: ClinVar variation 3887065 (VCV003887065.1).